The following is an entry in ClinVar:

ClinVar aggregate classification (germline): Likely pathogenic (1 of 4 stars; one submission).

Submission:

Labcorp Genetics (formerly Invitae), Labcorp
Classification: Likely pathogenic. Last evaluated: 2022-10-20. Review status: criteria provided, single submitter. Criteria: Invitae Variant Classification Sherloc (09022015). Collection method: clinical testing. Allele origin: germline.
Comment: In summary, the currently available evidence indicates that the variant is pathogenic, but additional data are needed to prove that conclusively. Therefore, this variant has been classified as Likely Pathogenic. Algorithms developed to predict the effect of sequence changes on RNA splicing suggest that this variant may disrupt the consensus splice site. This variant has not been reported in the literature in individuals affected with ABCC8-related conditions. This variant is not present in population databases (gnomAD no frequency). This sequence change affects a donor splice site in intron 19 of the ABCC8 gene. It is expected to disrupt RNA splicing. Variants that disrupt the donor or acceptor splice site typically lead to a loss of protein function (PMID: 16199547), and loss-of-function variants in ABCC8 are known to be pathogenic (PMID: 20685672, 23345197).

Literature cited by the submitters: PubMed 16199547; PubMed 20685672; PubMed 23345197.

NM_000352.6(ABCC8):c.2390+1G>A

Genes: ABCC8 (ATP binding cassette subfamily C member 8; minus strand), LOC110121471 (VISTA enhancer hs1977; plus strand). Cytogenetic location: 11p15.1.
Variant type: single nucleotide variant.
Coding change: c.2390+1G>A on transcript NM_000352.6 (MANE Select); the canonical splice donor site of the intron after coding-DNA position 2390, G replaced by A.
Molecular consequence: splice donor variant.
Genome position (GRCh38, 1-based): chr11:17,414,511, C>T on the plus strand (G>A on the coding strand, the complement: ABCC8 is on the minus strand). VCF-style: chr11-17414511-C-T. GRCh37 (hg19) VCF-style: chr11-17436058-C-T.
Other names: c.2387+1G>A (NM_001351297.2); c.2390+1G>A (NM_001351296.2); c.2456+1G>A (NM_001351295.2); c.2393+1G>A (NM_001287174.3).
Identifiers: ClinVar variation 2035542 (VCV002035542.4), dbSNP rs2496586476, ClinGen allele CA379808955.
Genomic context (GRCh38, chr11:17,414,511, plus strand): 5'-GCAGGCTGGCCAGAGACAGTTCCTCCCCTCCACATCCTGCCTCCCTCCGACAGGCTTTTA[C>T]CGTTGTTTGTTGAAGGGACTCTCAAAGATGATGTTCTCCTCCACAGTGGCATTTAGCAGC-3'